The following is an entry in ClinVar:

ClinVar aggregate classification (germline): Benign. Review status: criteria provided, single submitter (1 of 4 stars). 2 submissions from 1 submitter: Benign (2). Last evaluated 2018-01-12.

Conditions:
Spinocerebellar ataxia, autosomal recessive, with axonal neuropathy 2 (SCAN2). Also called: ATAXIA-OCULOMOTOR APRAXIA 2; Ataxia-ocular apraxia-2; Ataxia with Oculomotor Apraxia; Ataxia with Oculomotor Apraxia Type 2. Identifiers: Orphanet 64753, MedGen C1853761, MONDO:0018996, OMIM 606002.
Amyotrophic lateral sclerosis type 4 (ALS4). Also called: AMYOTROPHIC LATERAL SCLEROSIS 4, JUVENILE; NEURONOPATHY, DISTAL HEREDITARY MOTOR, WITH PYRAMIDAL FEATURES. Identifiers: Orphanet 357043, MedGen C1865409, MONDO:0011223, OMIM 602433.

Allele frequency attached by ClinVar (database versions not stated): gnomAD exomes 0.00052; gnomAD 0.01000 and 0.01078; 1000 Genomes Project 0.01118; TOPMed 0.01154; 1000 Genomes Project 30x 0.01156.
gnomAD v4.1: 1,508 of 154,126 alleles (0.98%); highest among the groups gnomAD compares: African/African-American, 3.4%; 26 homozygotes.

Submissions (2):

Illumina Laboratory Services, Illumina
Classification: Benign for Spinocerebellar ataxia, autosomal recessive, with axonal neuropathy 2. Last evaluated: 2018-01-12. Review status: criteria provided, single submitter. Criteria: ICSL Variant Classification Criteria 13 December 2019. Collection method: clinical testing. Allele origin: germline.
Comment: This variant was observed in the ICSL laboratory as part of a predisposition screen in an ostensibly healthy population. It had not been previously curated by ICSL or reported in the Human Gene Mutation Database (HGMD: prior to June 1st, 2018), and was therefore a candidate for classification through an automated scoring system. Utilizing variant allele frequency, disease prevalence and penetrance estimates, and inheritance mode, an automated score was calculated to assess if this variant is too frequent to cause the disease. Based on the score and internal cut-off values, a variant classified as benign is not then subjected to further curation. The score for this variant resulted in a classification of benign for this disease.

Illumina Laboratory Services, Illumina
Classification: Benign for Amyotrophic lateral sclerosis type 4. Last evaluated: 2018-01-12. Review status: criteria provided, single submitter. Criteria: ICSL Variant Classification Criteria 13 December 2019. Collection method: clinical testing. Allele origin: germline.
Comment: the same text as in the submission from Illumina Laboratory Services, Illumina above.

NM_015046.7(SETX):c.*548A>T

Gene: SETX (senataxin; minus strand). Cytogenetic location: 9q34.13.
Variant type: single nucleotide variant.
Coding change: c.*548A>T on transcript NM_015046.7 (MANE Select); 548 bases downstream of the stop codon, A replaced by T.
Molecular consequence: 3 prime UTR variant.
Genome position (GRCh38, 1-based): chr9:132,263,691, T>A on the plus strand (A>T on the coding strand, the complement: SETX is on the minus strand). VCF-style: chr9-132263691-T-A. GRCh37 (hg19) VCF-style: chr9-135139078-T-A.
Other names: c.*548A>T (NM_001351527.2, NM_001351528.2).
Identifiers: ClinVar variation 365331 (VCV000365331.5), dbSNP rs139883935, ClinGen allele CA10632891.